The following is an entry in ClinVar:

NM_001184.4(ATR):c.5756T>C (p.Met1919Thr)

Gene: ATR (ATR checkpoint kinase; minus strand). Cytogenetic location: 3q23.
Variant type: single nucleotide variant.
Coding change: c.5756T>C on transcript NM_001184.4 (MANE Select); coding-DNA position 5756, T replaced by C.
Protein change: p.Met1919Thr; replaces methionine 1919 with threonine.
Molecular consequence: missense variant.
Genome position (GRCh38, 1-based): chr3:142,496,503, A>G on the plus strand (T>C on the coding strand, the complement: ATR is on the minus strand). VCF-style: chr3-142496503-A-G. GRCh37 (hg19) VCF-style: chr3-142215345-A-G.
Other names: c.5564T>C, p.Met1855Thr (NM_001354579.2); c.5756T>C (NM_001184.3); short protein forms M1855T, M1919T.
Identifiers: ClinVar variation 1448650 (VCV001448650.9), dbSNP rs763557914, ClinGen allele CA2649531.
Genomic context (GRCh38, chr3:142,496,503, plus strand): 5'-GTCTGGTGGTGACCAGCCTTTCTAGCTACCCTGGCACTCTGCAGCCAGCATTCTCCAACC[A>G]TTTCATTGTAATCTGGTCTAAAGGAAGTAACAACACATTGGTGAGAGAGACCATTGGTAA-3'
Protein context (NP_001175.2, residues 1909-1929): SLNKRPDYNE[Met1919Thr]VGECWLQSAR

ClinVar aggregate classification (germline): Conflicting classifications of pathogenicity. Review status: criteria provided, conflicting classifications (1 of 4 stars). 2 submissions from 2 submitters: Uncertain significance (1); Likely benign (1). Last evaluated 2026-01-16.

Conditions:
Inborn genetic diseases. Identifiers: MedGen C0950123, MeSH D030342.

Allele frequency attached by ClinVar (database versions not stated): gnomAD 0.00002 and 0.00004; gnomAD exomes 0.00002 and 0.00007; TOPMed 0.00004; ExAC 0.00007.

Submissions (2):

Labcorp Genetics (formerly Invitae), Labcorp
Classification: Uncertain significance. Last evaluated: 2026-01-16. Review status: criteria provided, single submitter. Criteria: Invitae Variant Classification Sherloc (09022015). Collection method: clinical testing. Allele origin: germline.
Comment: This sequence change replaces methionine, which is neutral and non-polar, with threonine, which is neutral and polar, at codon 1919 of the ATR protein (p.Met1919Thr). This variant is present in population databases (rs763557914, gnomAD 0.08%). This variant has not been reported in the literature in individuals affected with ATR-related conditions. ClinVar contains an entry for this variant (Variation ID: 1448650). An algorithm developed to predict the effect of missense changes on protein structure and function (PolyPhen-2) suggests that this variant is likely to be tolerated. In summary, the available evidence is currently insufficient to determine the role of this variant in disease. Therefore, it has been classified as a Variant of Uncertain Significance.

Ambry Genetics
Classification: Likely benign for Inborn genetic diseases. Last evaluated: 2023-02-28. Review status: criteria provided, single submitter. Criteria: Ambry Variant Classification Scheme 2023. Collection method: clinical testing. Allele origin: germline.